The following is an entry in ClinVar:

ClinVar aggregate classification (germline): Likely benign (0 of 4 stars; one submission).

Conditions:
PTPRM-related disorder. Also called: PTPRM-related condition.

Allele frequency attached by ClinVar (database versions not stated): ExAC 0.00052; ESP Exome Variant Server 0.00062; TOPMed 0.00068; gnomAD 0.00072; gnomAD exomes 0.00127.
gnomAD v4.1: 1,927 of 1,608,362 alleles (0.12%); highest among the groups gnomAD compares: Non-Finnish European, 0.16%; 1 homozygote.

Submission:

PreventionGenetics, part of Exact Sciences
Classification: Likely benign for PTPRM-related condition. Last evaluated: 2019-10-28. Review status: no assertion criteria provided. Collection method: clinical testing. Allele origin: germline.
Comment: This variant is classified as likely benign based on ACMG/AMP sequence variant interpretation guidelines (Richards et al. 2015 PMID: 25741868, with internal and published modifications).

NM_001105244.2(PTPRM):c.3681T>C (p.His1227=)

Gene: PTPRM (protein tyrosine phosphatase receptor type M; plus strand). Cytogenetic location: 18p11.23.
Variant type: single nucleotide variant.
Coding change: c.3681T>C on transcript NM_001105244.2 (MANE Select); coding-DNA position 3681, T replaced by C.
Protein change: p.His1227=; no amino-acid change (histidine 1227 retained).
Molecular consequence: synonymous variant.
Genome position (GRCh38, 1-based): chr18:8,379,235, T>C. VCF-style: chr18-8379235-T-C. GRCh37 (hg19) VCF-style: chr18-8379233-T-C.
Other names: c.3003T>C, p.His1001= (NM_001378142.1); c.3042T>C, p.His1014= (NM_001378143.1); c.3078T>C, p.His1026= (NM_001378144.1); c.3117T>C, p.His1039= (NM_001378145.1); c.3093T>C, p.His1031= (NM_001378146.1); c.3168T>C, p.His1056= (NM_001378147.1); c.3642T>C, p.His1214= (NM_002845.4).
Identifiers: ClinVar variation 3052509 (VCV003052509.2), dbSNP rs142773706, ClinGen allele CA8884824.
Genomic context (GRCh38, chr18:8,379,235, plus strand): 5'-CATGGTGACACCAACGCTGCGAGTAGAGGACTGCAGCATCGCACTGTTGCCCCGGAACCA[T>C]GAGAAAAACCGGTGCATGGACATCCTGCCCCCAGACCGCTGCCTGCCCTTCCTCATCACC-3'
Protein context (NP_001098714.1, residues 1217-1237): DCSIALLPRN[His1227=]EKNRCMDILP